The following is an entry in ClinVar:

ClinVar aggregate classification (germline): Uncertain significance (1 of 4 stars; one submission).

Conditions:
Xanthinuria type II. Also called: Xanthine dehydrogenase and aldehyde oxidase combined deficiency of; XDH and AOX dual deficiency. Identifiers: Orphanet 3467, Orphanet 93602, MedGen C1863688, MONDO:0011346, OMIM 603592.

Allele frequency attached by ClinVar (database versions not stated): gnomAD exomes below 0.00001.
gnomAD v4.1: 1 of 1,614,112 alleles (0.000062%); no homozygotes.

Submission:

Labcorp Genetics (formerly Invitae), Labcorp
Classification: Uncertain significance for Xanthinuria type II. Last evaluated: 2020-12-02. Review status: criteria provided, single submitter. Criteria: Invitae Variant Classification Sherloc (09022015). Collection method: clinical testing. Allele origin: germline.
Comment: Algorithms developed to predict the effect of missense changes on protein structure and function (SIFT, PolyPhen-2, Align-GVGD) all suggest that this variant is likely to be tolerated, but these predictions have not been confirmed by published functional studies and their clinical significance is uncertain. This sequence change replaces isoleucine with valine at codon 737 of the XDH protein (p.Ile737Val). The isoleucine residue is moderately conserved and there is a small physicochemical difference between isoleucine and valine. This variant is not present in population databases (ExAC no frequency). This variant has not been reported in the literature in individuals with XDH-related conditions. In summary, the available evidence is currently insufficient to determine the role of this variant in disease. Therefore, it has been classified as a Variant of Uncertain Significance.

NM_000379.4(XDH):c.2209A>G (p.Ile737Val)

Gene: XDH (xanthine dehydrogenase; minus strand). Cytogenetic location: 2p23.1.
Variant type: single nucleotide variant.
Coding change: c.2209A>G on transcript NM_000379.4 (MANE Select); coding-DNA position 2209, A replaced by G.
Protein change: p.Ile737Val; replaces isoleucine 737 with valine.
Molecular consequence: missense variant.
Genome position (GRCh38, 1-based): chr2:31,366,983, T>C on the plus strand (A>G on the coding strand, the complement: XDH is on the minus strand). VCF-style: chr2-31366983-T-C. GRCh37 (hg19) VCF-style: chr2-31589849-T-C.
Other names: short protein forms I737V.
Identifiers: ClinVar variation 1513898 (VCV001513898.8), dbSNP rs1685931438, ClinGen allele CA346504666.
Genomic context (GRCh38, chr2:31,366,983, plus strand): 5'-CGCCTTTTGGAACAGCAATGGTGCAGTGAGTCTCCAGGTAGAAGTGCTCTTGGCCACCGA[T>C]GTATATCTCCCCTGGGGAAGCAGTGAGATCCCTCACAGTGAGCCCAATGCTGCAGAAGGG-3'
Protein context (NP_000370.2, residues 727-747): ADNVVSGEIY[Ile737Val]GGQEHFYLET